The following is an entry in ClinVar:

ClinVar aggregate classification (germline): Uncertain significance. Review status: criteria provided, multiple submitters, no conflicts (2 of 4 stars). 3 submissions from 3 submitters: Uncertain significance (2). 1 of the submissions does not count toward it. Last evaluated 2023-01-31.

Conditions:
Pyruvate dehydrogenase E2 deficiency (PDHDD). Also called: LACTIC ACIDEMIA DUE TO DEFECT OF E2 LIPOYL TRANSACETYLASE OF THE PYRUVATE DEHYDROGENASE COMPLEX; Dihydrolipoamide Acetyltransferase (E2) Deficiency. Identifiers: Orphanet 765, Orphanet 79244, MedGen C1855565, MONDO:0009502, OMIM 245348.

Submissions (3):

Baylor Genetics
Classification: Uncertain significance for Pyruvate dehydrogenase E2 deficiency. Last evaluated: 2023-01-31. Review status: criteria provided, single submitter. Criteria: ACMG Guidelines, 2015. Collection method: clinical testing. Allele origin: unknown.

GeneDx
Classification: Uncertain significance. Last evaluated: 2019-06-25. Review status: criteria provided, single submitter. Criteria: GeneDx Variant Classification Process June 2021. Collection method: clinical testing. Allele origin: germline. Affected: yes.
Comment: Not observed in large population cohorts (Lek et al., 2016); In silico analysis, which includes protein predictors and evolutionary conservation, supports a deleterious effect; Has not been previously published as pathogenic or benign to our knowledge

Undiagnosed Diseases Network, NIH
Classification: Uncertain significance for Pyruvate dehydrogenase E2 deficiency. Last evaluated: 2023-12-15. Review status: no assertion criteria provided. Collection method: clinical testing. Allele origin: biparental. Inheritance: Autosomal recessive inheritance. Affected: yes. Observed: 3 variant alleles, 3 homozygotes. Clinical features observed: Microcephaly (HP:0000252), Strabismus (HP:0000486), Psychotic disorder (HP:0000709), Global developmental delay (HP:0001263), Athetosis (HP:0002305), Short stature (HP:0004322), Cognitive impairment (HP:0100543). Study: Undiagnosed Diseases Network (NIH), UDN. Not counted in ClinVar's aggregate classification.

NM_001931.5(DLAT):c.367G>T (p.Asp123Tyr)

Gene: DLAT (dihydrolipoamide S-acetyltransferase; plus strand). Cytogenetic location: 11q23.1.
Variant type: single nucleotide variant.
Coding change: c.367G>T on transcript NM_001931.5 (MANE Select); coding-DNA position 367, G replaced by T.
Protein change: p.Asp123Tyr; replaces aspartic acid 123 with tyrosine.
Molecular consequence: missense variant. On other transcripts: 5 prime UTR variant (1), non-coding transcript variant (1), intron variant (1).
Genome position (GRCh38, 1-based): chr11:112,026,285, G>T. VCF-style: chr11-112026285-G-T. GRCh37 (hg19) VCF-style: chr11-111897009-G-T.
Other names: p.D123Y; c.367G>T, p.Asp123Tyr (NM_001372031.1, NM_001372032.1, NM_001372033.1 and 4 more transcripts); c.334G>T, p.Asp112Tyr (NM_001372034.1); c.241G>T, p.Asp81Tyr (NM_001372036.1); c.199G>T, p.Asp67Tyr (NM_001372037.1); c.-100G>T (NM_001372042.1); c.364+3G>T (NM_001372040.1); short protein forms D123Y, D112Y, D81Y, D67Y.
Identifiers: ClinVar variation 452714 (VCV000452714.6), dbSNP rs1555179247, ClinGen allele CA382598087.